The following is an entry in ClinVar:

ClinVar aggregate classification (germline): Likely pathogenic (1 of 4 stars; one submission).

Conditions:
MGAT2-congenital disorder of glycosylation. Also called: MENTAL RETARDATION, GROWTH RETARDATION, PROMINENT COLUMELLA, AND OPEN MOUTH; Alkuraya syndrome; MGAT2-CDG; Congenital disorder of glycosylation, type IIa; CDG IIa. Identifiers: Orphanet 79329, MedGen C2931008, MONDO:0008908, OMIM 212066.

Submission:

First Genomix Gene Laboratory, Genetic Diagnostics Department
Classification: Likely pathogenic for MGAT2-congenital disorder of glycosylation. Last evaluated: 2025-09-03. Review status: criteria provided, single submitter. Criteria: ACMG Guidelines, 2015. Collection method: clinical testing. Allele origin: germline. Inheritance: Autosomal recessive inheritance. Affected: no. Observed: 1 variant allele.

NM_002408.4(MGAT2):c.1092_1093del (p.Leu365fs)

Gene: MGAT2 (alpha-1,6-mannosyl-glycoprotein 2-beta-N-acetylglucosaminyltransferase; plus strand). Cytogenetic location: 14q21.3.
Variant type: Deletion.
Coding change: c.1092_1093del on transcript NM_002408.4 (MANE Select); coding-DNA positions 1092 to 1093, 2 bases deleted (GC; older notation c.1092_1093delGC).
Protein change: p.Leu365fs; shifts the reading frame from leucine 365.
Molecular consequence: frameshift variant.
Genome position (GRCh38, 1-based): chr14:49,622,360-49,622,361, GC deleted. VCF-style (leftmost placement, unchanged base first): chr14-49622359-TGC-T. GRCh37 (hg19) VCF-style: chr14-50089077-TGC-T.
Other names: short protein forms L365fs.
Identifiers: ClinVar variation 4850277 (VCV004850277.1).
Genomic context (GRCh38, chr14:49,622,359, plus strand): 5'-ATAACTGGGACTGGACTCTTCAATACTTGACTGTATCTTGTCTTCCAAAATTCTGGAAAG[TGC>T]TGGTTCCTCAAATTCCTAGGATCTTTCATGCTGGAGACTGTGGTATGCATCACAAGAAAA-3'